The following is an entry in ClinVar:

ClinVar aggregate classification (germline): Uncertain significance. Review status: criteria provided, multiple submitters, no conflicts (2 of 4 stars). 2 submissions from 2 submitters: Uncertain significance (2). Last evaluated 2025-09-16.

Conditions:
TTN-related disorder. Also called: TTN-related disorders; TTN-related condition; TTN-related disease.

Allele frequency attached by ClinVar (database versions not stated): gnomAD exomes 0.00001; TOPMed 0.00001.
gnomAD v4.1: 13 of 1,613,816 alleles (0.00081%); highest among the groups gnomAD compares: Non-Finnish European, 0.0011%; no homozygotes.

Submissions (2):

PreventionGenetics, part of Exact Sciences
Classification: Uncertain significance for TTN-related condition. Last evaluated: 2025-09-16. Review status: criteria provided, single submitter. Criteria: ACMG Guidelines, 2015. Collection method: clinical testing. Allele origin: germline.
Comment: The TTN c.27536C>T variant is predicted to result in the amino acid substitution p.Ala9179Val. To our knowledge, this variant has not been reported in the literature or in a large population database (gnomAD), indicating this variant is rare. At this time, the clinical significance of this variant is uncertain due to the absence of conclusive functional and genetic evidence.

GeneDx
Classification: Uncertain significance. Last evaluated: 2024-10-02. Review status: criteria provided, single submitter. Criteria: GeneDx Variant Classification Process June 2021. Collection method: clinical testing. Allele origin: germline. Affected: yes.
Comment: Not observed at significant frequency in large population cohorts (gnomAD); Missense variant in a gene in which most reported pathogenic variants are truncating/loss of function; Has not been previously published as pathogenic or benign to our knowledge

NM_001267550.2(TTN):c.27536C>T (p.Ala9179Val)

Gene: TTN (titin; minus strand). Cytogenetic location: 2q31.2.
Variant type: single nucleotide variant.
Coding change: c.27536C>T on transcript NM_001267550.2 (MANE Select); coding-DNA position 27536, C replaced by T.
Protein change: p.Ala9179Val; replaces alanine 9179 with valine.
Molecular consequence: missense variant. On other transcripts: intron variant (3).
Genome position (GRCh38, 1-based): chr2:178,712,386, G>A on the plus strand (C>T on the coding strand, the complement: TTN is on the minus strand). VCF-style: chr2-178712386-G-A. GRCh37 (hg19) VCF-style: chr2-179577113-G-A.
Other names: c.26585C>T, p.Ala8862Val (NM_001256850.1); c.23804C>T, p.Ala7935Val (NM_133378.4); c.13282+25696C>T (NM_003319.4); c.13858+25696C>T (NM_133437.4); c.13657+25696C>T (NM_133432.3); short protein forms A7935V, A8862V, A9179V.
Identifiers: ClinVar variation 2629000 (VCV002629000.3), dbSNP rs1377122264, ClinGen allele CA349451615.